The following is an entry in ClinVar:

ClinVar aggregate classification (germline): Pathogenic/Likely pathogenic. Review status: criteria provided, multiple submitters, no conflicts (2 of 4 stars). 2 submissions from 2 submitters: Pathogenic (1); Likely pathogenic (1). Last evaluated 2023-03-02.

Submissions (2):

GeneDx
Classification: Pathogenic. Last evaluated: 2023-03-02. Review status: criteria provided, single submitter. Criteria: GeneDx Variant Classification Process June 2021. Collection method: clinical testing. Allele origin: germline. Affected: yes.
Comment: Occurs in the triple helical domain and replaces a glycine in a canonical Gly-X-Y repeat; missense substitution of a canonical glycine residue is expected to disrupt normal protein folding and function, and this is an established mechanism of disease (Jovanovic et al., 2021); Not observed at significant frequency in large population cohorts (gnomAD); In silico analysis supports that this missense variant has a deleterious effect on protein structure/function; This variant is associated with the following publications: (PMID: 34007986, 18996919)

Revvity Omics, Revvity
Classification: Likely pathogenic. Last evaluated: 2020-11-05. Review status: criteria provided, single submitter. Criteria: ACMG Guidelines, 2015. Collection method: clinical testing. Allele origin: germline.

NM_000089.4(COL1A2):c.2864G>A (p.Gly955Asp)

Gene: COL1A2 (collagen type I alpha 2 chain; plus strand). Cytogenetic location: 7q21.3.
Variant type: single nucleotide variant.
Coding change: c.2864G>A on transcript NM_000089.4 (MANE Select); coding-DNA position 2864, G replaced by A.
Protein change: p.Gly955Asp; replaces glycine 955 with aspartic acid.
Molecular consequence: missense variant.
Genome position (GRCh38, 1-based): chr7:94,425,778, G>A. VCF-style: chr7-94425778-G-A. GRCh37 (hg19) VCF-style: chr7-94055090-G-A.
Other names: short protein forms G955D.
Identifiers: ClinVar variation 1324107 (VCV001324107.5), dbSNP rs2115952213, ClinGen allele CA368224783.
Genomic context (GRCh38, chr7:94,425,778, plus strand): 5'-ATTGATGCTAAGCTTCATTTTGCCTTTGGTAGGGAGAGCGCGGTTACCCTGGCAATATTG[G>A]TCCCGTTGGTGCTGCAGGTGCACCTGGTCCTCATGGCCCCGTGGGTCCTGCTGGCAAACA-3'
Protein context (NP_000080.2, residues 945-965): KGERGYPGNI[Gly955Asp]PVGAAGAPGP